The following is an entry in ClinVar:

ClinVar aggregate classification (germline): Likely benign (1 of 4 stars; one submission).

Submission:

GeneDx
Classification: Likely benign. Last evaluated: 2014-01-14. Review status: criteria provided, single submitter. Criteria: GeneDx Variant Classification (06012015). Collection method: clinical testing. Allele origin: germline. Affected: yes.
Comment: This variant is considered likely benign or benign based on one or more of the following criteria: it is a conservative change, it occurs at a poorly conserved position in the protein, it is predicted to be benign by multiple in silico algorithms, and/or has population frequency not consistent with disease.

NM_003476.5(CSRP3):c.465G>T (p.Glu155Asp)

Gene: CSRP3 (cysteine and glycine rich protein 3; minus strand). Cytogenetic location: 11p15.1.
Variant type: single nucleotide variant.
Coding change: c.465G>T on transcript NM_003476.5 (MANE Select); coding-DNA position 465, G replaced by T.
Protein change: p.Glu155Asp; replaces glutamic acid 155 with aspartic acid.
Molecular consequence: missense variant.
Genome position (GRCh38, 1-based): chr11:19,184,995, C>A on the plus strand (G>T on the coding strand, the complement: CSRP3 is on the minus strand). VCF-style: chr11-19184995-C-A. GRCh37 (hg19) VCF-style: chr11-19206542-C-A.
Other names: p.E155D:GAG>GAT; c.465G>T (LRG_440t1); c.296G>T, p.Ser99Ile (NM_001369404.1); short protein forms E155D, S99I.
Identifiers: ClinVar variation 201689 (VCV000201689.1), dbSNP rs200334242, ClinGen allele CA335095.